The following is an entry in ClinVar:

Conditions:
Breast-ovarian cancer, familial, susceptibility to, 1 (BROVCA1). Also called: BRCA1 Hereditary Breast and Ovarian Cancer; OVARIAN CANCER, SUSCEPTIBILITY TO. Identifiers: Orphanet 145, MedGen C2676676, MONDO:0011450, OMIM 604370. Disease mechanism: loss of function.

Submission:

Brotman Baty Institute, University of Washington
No classification provided (evidence only). Condition: Breast-ovarian cancer, familial 1. Review status: no classification provided. Collection method: in vitro. Allele origin: not applicable. Functional consequence: functionally_abnormal.
ClinVar note: "not provided" was previously submitted as the classification for the variant. However, the classification appeared to be based only on an observation of functional data so it was converted to no classification on 2025-07-30.

NM_007294.4(BRCA1):c.132C>A (p.Cys44Ter)

Gene: BRCA1 (BRCA1 DNA repair associated; minus strand). Cytogenetic location: 17q21.31.
Variant type: single nucleotide variant.
Coding change: c.132C>A on transcript NM_007294.4 (MANE Select); coding-DNA position 132, C replaced by A.
Protein change: p.Cys44Ter; replaces cysteine 44 with a stop codon.
Molecular consequence: nonsense. On other transcripts: non-coding transcript variant (1), intron variant (1).
Genome position (GRCh38, 1-based): chr17:43,115,728, G>T on the plus strand (C>A on the coding strand, the complement: BRCA1 is on the minus strand). VCF-style: chr17-43115728-G-T. GRCh37 (hg19) VCF-style: chr17-41267745-G-T.
Other names: c.-172C>A (NM_001407960.1, NM_001407962.1, NM_001408510.1 and 1 more transcripts); c.-10C>A (NM_001407964.1, NM_001408410.1, NM_001408452.1 and 47 more transcripts); c.-288C>A (NM_001407965.1); c.132C>A, p.Cys44Ter (NM_001407968.1, NM_001407969.1, NM_001407970.1 and 192 more transcripts); c.-126C>A (NM_001408455.1, NM_001408456.1, NM_001408468.1 and 13 more transcripts); c.-130C>A (NM_001408465.1, NM_001407695.1); c.-57C>A (NM_001408478.1, NM_001408479.1, NM_001408480.1 and 52 more transcripts); c.-173C>A (NM_001408492.1, NM_001407889.1, NM_001407900.1); and 1 more; short protein forms C44*.
Identifiers: ClinVar variation 868171 (VCV000868171.3), dbSNP rs876658362, ClinGen allele CA10601896.
Genomic context (GRCh38, chr17:43,115,728, plus strand): 5'-GTTATGAAGGACAAAAACAAAAGCTAATAATGGAGCCACATAACACATTCAAACTTACTT[G>T]CAAAATATGTGGTCACACTTTGTGGAGACAGGTTCCTTGATCAACTCCAGACTAGCAGGG-3'